The following is an entry in ClinVar:

ClinVar aggregate classification (germline): Uncertain significance. Review status: criteria provided, multiple submitters, no conflicts (2 of 4 stars). 2 submissions from 2 submitters: Uncertain significance (2). Last evaluated 2021-08-26.

Conditions:
Charcot-Marie-Tooth disease. Also called: Charcot-Marie-Tooth Hereditary Neuropathy; Charcot-Marie-Tooth Neuropathy. Identifiers: Orphanet 166, MedGen C0007959, MONDO:0015626.
Charcot-Marie-Tooth disease type 2. Also called: Charcot-Marie-Tooth type 2. Identifiers: Orphanet 64746, MedGen C0270914, MONDO:0018993.

Allele frequency attached by ClinVar (database versions not stated): TOPMed below 0.00001; gnomAD exomes below 0.00001.

Submissions (2):

Labcorp Genetics (formerly Invitae), Labcorp
Classification: Uncertain significance for Charcot-Marie-Tooth disease type 2. Last evaluated: 2021-08-26. Review status: criteria provided, single submitter. Criteria: Invitae Variant Classification Sherloc (09022015). Collection method: clinical testing. Allele origin: germline.
Comment: This sequence change replaces glycine with serine at codon 532 of the MED25 protein (p.Gly532Ser). The glycine residue is highly conserved and there is a small physicochemical difference between glycine and serine. This variant is not present in population databases (ExAC no frequency). This variant has not been reported in the literature in individuals affected with MED25-related conditions. ClinVar contains an entry for this variant (Variation ID: 917362). Algorithms developed to predict the effect of missense changes on protein structure and function are either unavailable or do not agree on the potential impact of this missense change (SIFT: "Deleterious"; PolyPhen-2: "Benign"; Align-GVGD: "Class C0"). In summary, the available evidence is currently insufficient to determine the role of this variant in disease. Therefore, it has been classified as a Variant of Uncertain Significance.

Molecular Genetics Laboratory, London Health Sciences Centre
Classification: Uncertain significance for Charcot-Marie-Tooth disease. Review status: criteria provided, single submitter. Criteria: ACMG Guidelines, 2015. Collection method: clinical testing. Allele origin: germline. Affected: yes.

NM_030973.4(MED25):c.1594G>A (p.Gly532Ser)

Gene: MED25 (mediator complex subunit 25; plus strand). Cytogenetic location: 19q13.33.
Variant type: single nucleotide variant.
Coding change: c.1594G>A on transcript NM_030973.4 (MANE Select); coding-DNA position 1594, G replaced by A.
Protein change: p.Gly532Ser; replaces glycine 532 with serine.
Molecular consequence: missense variant.
Genome position (GRCh38, 1-based): chr19:49,835,097, G>A. VCF-style: chr19-49835097-G-A. GRCh37 (hg19) VCF-style: chr19-50338354-G-A.
Other names: c.1594G>A, p.Gly532Ser (NM_001378355.1); short protein forms G532S.
Identifiers: ClinVar variation 917362 (VCV000917362.7), dbSNP rs964471885, ClinGen allele CA309519992.